The following is an entry in ClinVar:

NM_016151.4(TAOK2):c.300G>A (p.Thr100=)

Gene: TAOK2 (TAO kinase 2; plus strand). Cytogenetic location: 16p11.2.
Variant type: single nucleotide variant.
Coding change: c.300G>A on transcript NM_016151.4 (MANE Select); coding-DNA position 300, G replaced by A.
Protein change: p.Thr100=; no amino-acid change (threonine 100 retained).
Molecular consequence: synonymous variant.
Genome position (GRCh38, 1-based): chr16:29,978,347, G>A. VCF-style: chr16-29978347-G-A. GRCh37 (hg19) VCF-style: chr16-29989668-G-A.
Other names: c.300G>A, p.Thr100= (NM_001252043.2, NM_004783.4).
Identifiers: ClinVar variation 1133923 (VCV001133923.34), dbSNP rs368062779, ClinGen allele CA7997761.

ClinVar aggregate classification (germline): Likely benign. Review status: criteria provided, multiple submitters, no conflicts (2 of 4 stars). 2 submissions from 2 submitters: Likely benign (2). Last evaluated 2025-12-30.

Allele frequency attached by ClinVar (database versions not stated): gnomAD exomes 0.00003 and 0.00009; TOPMed 0.00005; gnomAD 0.00007 and 0.00009; ESP Exome Variant Server 0.00008; ExAC 0.00012; 1000 Genomes Project 0.00060; 1000 Genomes Project 30x 0.00062.
gnomAD v4.1: 52 of 1,614,140 alleles (0.0032%); highest among the groups gnomAD compares: East Asian, 0.033%; no homozygotes.

Submissions (2):

Labcorp Genetics (formerly Invitae), Labcorp
Classification: Likely benign. Last evaluated: 2025-12-30. Review status: criteria provided, single submitter. Criteria: Invitae Variant Classification Sherloc (09022015). Collection method: clinical testing. Allele origin: germline.

CeGaT Center for Human Genetics Tuebingen
Classification: Likely benign. Last evaluated: 2022-05-01. Review status: criteria provided, single submitter. Criteria: CeGaT Center For Human Genetics Tuebingen Variant Classification Criteria Version 2. Collection method: clinical testing. Allele origin: germline. Affected: yes. Observed: 1 variant allele.
Comment: TAOK2: BP4, BP7